The following is an entry in ClinVar:

ClinVar aggregate classification (germline): Uncertain significance (1 of 4 stars; one submission).

Submission:

Labcorp Genetics (formerly Invitae), Labcorp
Classification: Uncertain significance. Last evaluated: 2022-07-15. Review status: criteria provided, single submitter. Criteria: Invitae Variant Classification Sherloc (09022015). Collection method: clinical testing. Allele origin: germline.
Comment: This sequence change affects a donor splice site in intron 4 of the OAS1 gene. It is expected to disrupt RNA splicing. Variants that disrupt the donor or acceptor splice site typically lead to a loss of protein function (PMID: 16199547), however the current clinical and genetic evidence is not sufficient to establish whether loss-of-function variants in OAS1 cause disease. This variant is not present in population databases (gnomAD no frequency). This variant has not been reported in the literature in individuals affected with OAS1-related conditions. Algorithms developed to predict the effect of sequence changes on RNA splicing suggest that this variant may disrupt the consensus splice site. In summary, the available evidence is currently insufficient to determine the role of this variant in disease. Therefore, it has been classified as a Variant of Uncertain Significance.

Literature cited by the submitters: PubMed 16199547.

NM_016816.4(OAS1):c.884+1G>T

Gene: OAS1 (2'-5'-oligoadenylate synthetase 1; plus strand). Cytogenetic location: 12q24.13.
Variant type: single nucleotide variant.
Coding change: c.884+1G>T on transcript NM_016816.4 (MANE Select); the canonical splice donor site of the intron after coding-DNA position 884, G replaced by T.
Molecular consequence: splice donor variant.
Genome position (GRCh38, 1-based): chr12:112,916,739, G>T. VCF-style: chr12-112916739-G-T. GRCh37 (hg19) VCF-style: chr12-113354544-G-T.
Other names: c.884+1G>T (NM_001320151.2, NM_001406022.1, NM_001032409.3 and 1 more transcripts); c.860+1G>T (NM_001406025.1, NM_001406024.1, NM_001406023.1 and 2 more transcripts); c.410+1G>T (NM_001406030.1, NM_001406029.1, NM_001406027.1 and 1 more transcripts).
Identifiers: ClinVar variation 2017343 (VCV002017343.4), dbSNP rs867429833, ClinGen allele CA386807125.